The following is an entry in ClinVar:

ClinVar aggregate classification (germline): Conflicting classifications of pathogenicity. Review status: criteria provided, conflicting classifications (1 of 4 stars). 5 submissions from 5 submitters: Uncertain significance (1); Likely benign (4). Last evaluated 2025-04-16.

Conditions:
Cardiomyopathy (CMYO). Also called: Cardiomyopathies. Identifiers: Orphanet 167848, MedGen C0878544, MONDO:0004994, HP:0001638. Inheritance: Various modes of inheritance.
LMNA-related disorder. Also called: LMNA-related condition; LMNA-related disease; LMNA-related disorders. Identifiers: MedGen CN380145.
Cardiovascular phenotype. Identifiers: MedGen CN230736.
Charcot-Marie-Tooth disease type 2. Also called: Charcot-Marie-Tooth type 2. Identifiers: Orphanet 64746, MedGen C0270914, MONDO:0018993.

Allele frequency attached by ClinVar (database versions not stated): gnomAD exomes below 0.00001; TOPMed below 0.00001; gnomAD 0.00001.
gnomAD v4.1: 3 of 1,612,174 alleles (0.00019%); highest among the groups gnomAD compares: Middle Eastern, 0.017%; no homozygotes.

Submissions (5):

PreventionGenetics, part of Exact Sciences
Classification: Likely benign for LMNA-related condition. Last evaluated: 2025-04-16. Review status: criteria provided, single submitter. Criteria: ACMG Guidelines, 2015. Collection method: clinical testing. Allele origin: germline.
Comment: This variant is classified as likely benign based on ACMG/AMP sequence variant interpretation guidelines (Richards et al. 2015 PMID: 25741868, with internal and published modifications).

Color Diagnostics, LLC DBA Color Health
Classification: Likely benign for Cardiomyopathy. Last evaluated: 2022-11-06. Review status: criteria provided, single submitter. Criteria: ACMG Guidelines, 2015. Collection method: clinical testing. Allele origin: germline.

Labcorp Genetics (formerly Invitae), Labcorp
Classification: Likely benign for Charcot-Marie-Tooth disease type 2. Last evaluated: 2021-05-30. Review status: criteria provided, single submitter. Criteria: Invitae Variant Classification Sherloc (09022015). Collection method: clinical testing. Allele origin: germline.

Ambry Genetics
Classification: Likely benign for Cardiovascular phenotype. Last evaluated: 2020-11-27. Review status: criteria provided, single submitter. Criteria: Ambry Variant Classification Scheme 2023. Collection method: clinical testing. Allele origin: germline.

CeGaT Center for Human Genetics Tuebingen
Classification: Uncertain significance. Last evaluated: 2016-07-01. Review status: criteria provided, single submitter. Criteria: CeGaT Center For Human Genetics Tuebingen Variant Classification Criteria Version 2. Collection method: clinical testing. Allele origin: germline. Affected: yes. Observed: 1 variant allele.

NM_170707.4(LMNA):c.1182C>T (p.Thr394=)

Gene: LMNA (lamin A/C; plus strand). Cytogenetic location: 1q22.
Variant type: single nucleotide variant.
Coding change: c.1182C>T on transcript NM_170707.4 (MANE Select); coding-DNA position 1182, C replaced by T.
Protein change: p.Thr394=; no amino-acid change (threonine 394 retained).
Molecular consequence: synonymous variant.
Genome position (GRCh38, 1-based): chr1:156,136,238, C>T. VCF-style: chr1-156136238-C-T. GRCh37 (hg19) VCF-style: chr1-156106029-C-T.
Other names: c.1182C>T (NM_170707.3); c.846C>T, p.Thr282= (NM_001257374.3); c.939C>T, p.Thr313= (NM_001282624.2); c.1182C>T, p.Thr394= (NM_001282625.2, NM_001282626.2, NM_005572.4 and 1 more transcripts).
Identifiers: ClinVar variation 806243 (VCV000806243.52), dbSNP rs1409406468, ClinGen allele CA421257939.